The following is an entry in ClinVar:

ClinVar aggregate classification (germline): Benign/Likely benign. Review status: criteria provided, multiple submitters, no conflicts (2 of 4 stars). 3 submissions from 3 submitters: Benign (1); Likely benign (2). Last evaluated 2019-12-31.

Allele frequency attached by ClinVar (database versions not stated): ExAC 0.00178; gnomAD 0.01449 and 0.01532; TOPMed 0.01573; gnomAD exomes 0.00075 and 0.00137; 1000 Genomes Project 30x 0.01577.
gnomAD v4.1: 3,329 of 1,610,506 alleles (0.21%); highest among the groups gnomAD compares: African/African-American, 3.8%; 89 homozygotes.

Submissions (3):

Labcorp Genetics (formerly Invitae), Labcorp
Classification: Likely benign. Last evaluated: 2019-12-31. Review status: criteria provided, single submitter. Criteria: Invitae Variant Classification Sherloc (09022015). Collection method: clinical testing. Allele origin: germline.

Laboratory for Molecular Medicine, Mass General Brigham Personalized Medicine
Classification: Benign. Last evaluated: 2013-02-21. Review status: criteria provided, single submitter. Criteria: LMM Criteria. Collection method: clinical testing. Allele origin: germline. Observed: 1 variant allele.
Comment: Asp217Asp in exon 6 of SFTPA1: This variant is not expected to have clinical sig nificance because it does not alter an amino acid residue and is not located wit hin the splice consensus sequence. It has been identified in 5.1% (9/176) of Yor uba (Nigerian) chromosomes from a broad population by the 1000 Genomes Project (dbSNP rs1059058).

Breakthrough Genomics
Classification: Likely benign. Review status: criteria provided, single submitter. Criteria: ACMG Guidelines, 2015. Collection method: not provided. Allele origin: germline. Inheritance: Autosomal dominant inheritance. Affected: yes.

NM_005411.5(SFTPA1):c.606C>T (p.Asp202=)

Gene: SFTPA1 (surfactant protein A1; plus strand). Cytogenetic location: 10q22.3.
Variant type: single nucleotide variant.
Coding change: c.606C>T on transcript NM_005411.5 (MANE Select); coding-DNA position 606, C replaced by T.
Protein change: p.Asp202=; no amino-acid change (aspartic acid 202 retained).
Molecular consequence: synonymous variant.
Genome position (GRCh38, 1-based): chr10:79,613,972, C>T. VCF-style: chr10-79613972-C-T. GRCh37 (hg19) VCF-style: chr10-81373728-C-T.
Other names: c.651C>T, p.Asp217= (NM_001093770.3); c.606C>T, p.Asp202= (NM_001164644.2, NM_001164647.1); c.504C>T, p.Asp168= (NM_001164645.2); c.459C>T, p.Asp153= (NM_001164646.2).
Identifiers: ClinVar variation 227064 (VCV000227064.10), dbSNP rs1059058, ClinGen allele CA5574565.